The following is an entry in ClinVar:

ClinVar aggregate classification (germline): Uncertain significance (1 of 4 stars; one submission).

Conditions:
DiGeorge syndrome. Also called: Catch22; THIRD AND FOURTH PHARYNGEAL POUCH SYNDROME. Identifiers: Orphanet 567, MedGen C0012236, MONDO:0008564, OMIM 188400.

Allele frequency attached by ClinVar (database versions not stated): TOPMed below 0.00001; gnomAD 0.00002; gnomAD exomes 0.00003.
gnomAD v4.1: 44 of 1,518,478 alleles (0.0029%); highest among the groups gnomAD compares: Middle Eastern, 0.02%; no homozygotes.

Submission:

Labcorp Genetics (formerly Invitae), Labcorp
Classification: Uncertain significance for DiGeorge syndrome. Last evaluated: 2025-10-09. Review status: criteria provided, single submitter. Criteria: Invitae Variant Classification Sherloc (09022015). Collection method: clinical testing. Allele origin: germline.
Comment: This sequence change replaces proline, which is neutral and non-polar, with leucine, which is neutral and non-polar, at codon 410 of the TBX1 protein (p.Pro410Leu). This variant is present in population databases (rs762467149, gnomAD 0.001%). This variant has not been reported in the literature in individuals affected with TBX1-related conditions. ClinVar contains an entry for this variant (Variation ID: 2416575). An algorithm developed to predict the effect of missense changes on protein structure and function (PolyPhen-2) suggests that this variant is likely to be tolerated. In summary, the available evidence is currently insufficient to determine the role of this variant in disease. Therefore, it has been classified as a Variant of Uncertain Significance.

NM_001379200.1(TBX1):c.1256C>T (p.Pro419Leu)

Gene: TBX1 (T-box transcription factor 1; plus strand). Cytogenetic location: 22q11.21.
Variant type: single nucleotide variant.
Coding change: c.1256C>T on transcript NM_001379200.1 (MANE Select); coding-DNA position 1256, C replaced by T.
Protein change: p.Pro419Leu; replaces proline 419 with leucine.
Molecular consequence: missense variant. On other transcripts: intron variant (2).
Genome position (GRCh38, 1-based): chr22:19,766,608, C>T. VCF-style: chr22-19766608-C-T. GRCh37 (hg19) VCF-style: chr22-19754131-C-T.
Other names: c.1229C>T, p.Pro410Leu (NM_080647.1); c.1009+606C>T (NM_005992.1, NM_080646.2); short protein forms P410L, P419L.
Identifiers: ClinVar variation 2416575 (VCV002416575.6), dbSNP rs762467149, ClinGen allele CA10102690.